The following is an entry in ClinVar:

NM_003054.6(SLC18A2):c.1274C>T (p.Ala425Val)

Gene: SLC18A2 (solute carrier family 18 member A2; plus strand). Cytogenetic location: 10q25.3.
Variant type: single nucleotide variant.
Coding change: c.1274C>T on transcript NM_003054.6 (MANE Select); coding-DNA position 1274, C replaced by T.
Protein change: p.Ala425Val; replaces alanine 425 with valine.
Molecular consequence: missense variant.
Genome position (GRCh38, 1-based): chr10:117,270,158, C>T. VCF-style: chr10-117270158-C-T. GRCh37 (hg19) VCF-style: chr10-119029669-C-T.
Other names: p.Ala425Val; short protein forms A425V.
Identifiers: ClinVar variation 2081035 (VCV002081035.2), dbSNP rs369109725, ClinGen allele CA5710621.

ClinVar aggregate classification (germline): Uncertain significance. Review status: criteria provided, multiple submitters, no conflicts (2 of 4 stars). 2 submissions from 2 submitters: Uncertain significance (2). Last evaluated 2024-05-13.

Allele frequency attached by ClinVar (database versions not stated): ExAC 0.00003; gnomAD 0.00005; ESP Exome Variant Server 0.00008; TOPMed 0.00008.
gnomAD v4.1: 153 of 1,614,086 alleles (0.0095%); highest among the groups gnomAD compares: Non-Finnish European, 0.012%; no homozygotes.

Submissions (2):

Mayo Clinic Laboratories, Mayo Clinic
Classification: Uncertain significance. Last evaluated: 2024-05-13. Review status: criteria provided, single submitter. Criteria: ACMG Guidelines, 2015. Collection method: clinical testing. Allele origin: germline. Observed: 1 variant allele.

Labcorp Genetics (formerly Invitae), Labcorp
Classification: Uncertain significance. Last evaluated: 2022-06-27. Review status: criteria provided, single submitter. Criteria: Invitae Variant Classification Sherloc (09022015). Collection method: clinical testing. Allele origin: germline.
Comment: This sequence change replaces alanine, which is neutral and non-polar, with valine, which is neutral and non-polar, at codon 425 of the SLC18A2 protein (p.Ala425Val). This variant is present in population databases (rs369109725, gnomAD 0.006%). This variant has not been reported in the literature in individuals affected with SLC18A2-related conditions. Algorithms developed to predict the effect of missense changes on protein structure and function are either unavailable or do not agree on the potential impact of this missense change (SIFT: "Deleterious"; PolyPhen-2: "Probably Damaging"; Align-GVGD: "Class C15"). In summary, the available evidence is currently insufficient to determine the role of this variant in disease. Therefore, it has been classified as a Variant of Uncertain Significance.